The following is an entry in ClinVar:

ClinVar aggregate classification (germline): Benign/Likely benign. Review status: criteria provided, multiple submitters, no conflicts (2 of 4 stars). 4 submissions from 4 submitters: Benign (1); Likely benign (3). Last evaluated 2026-01-01.

Conditions:
COL18A1-related disorder. Also called: COL18A1-related disorders; COL18A1-related condition.

Allele frequency attached by ClinVar (database versions not stated): gnomAD 0.00002 and 0.00003; gnomAD exomes 0.00006 and 0.00027; TOPMed 0.00012; ExAC 0.00026; 1000 Genomes Project 0.00040; 1000 Genomes Project 30x 0.00047.
gnomAD v4.1: 89 of 1,613,432 alleles (0.0055%); highest among the groups gnomAD compares: Admixed American, 0.14%; no homozygotes.

Submissions (4):

CeGaT Center for Human Genetics Tuebingen
Classification: Likely benign. Last evaluated: 2026-01-01. Review status: criteria provided, single submitter. Criteria: CeGaT Center For Human Genetics Tuebingen Variant Classification Criteria Version 2. Collection method: clinical testing. Allele origin: germline. Affected: yes. Observed: 1 variant allele.
Comment: COL18A1: BP4, BP7

Labcorp Genetics (formerly Invitae), Labcorp
Classification: Benign. Last evaluated: 2025-12-24. Review status: criteria provided, single submitter. Criteria: Invitae Variant Classification Sherloc (09022015). Collection method: clinical testing. Allele origin: germline.

PreventionGenetics, part of Exact Sciences
Classification: Likely benign for COL18A1-related condition. Last evaluated: 2025-04-24. Review status: criteria provided, single submitter. Criteria: ACMG Guidelines, 2015. Collection method: clinical testing. Allele origin: germline.
Comment: This variant is classified as likely benign based on ACMG/AMP sequence variant interpretation guidelines (Richards et al. 2015 PMID: 25741868, with internal and published modifications).

Blueprint Genetics
Classification: Likely benign. Last evaluated: 2018-12-14. Review status: criteria provided, single submitter. Criteria: ACMG Guidelines, 2015. Collection method: clinical testing. Allele origin: germline.

NM_001379500.1(COL18A1):c.561G>A (p.Pro187=)

Gene: COL18A1 (collagen type XVIII alpha 1 chain; plus strand). Cytogenetic location: 21q22.3.
Variant type: single nucleotide variant.
Coding change: c.561G>A on transcript NM_001379500.1 (MANE Select); coding-DNA position 561, G replaced by A.
Protein change: p.Pro187=; no amino-acid change (proline 187 retained).
Molecular consequence: synonymous variant.
Genome position (GRCh38, 1-based): chr21:45,468,696, G>A. VCF-style: chr21-45468696-G-A. GRCh37 (hg19) VCF-style: chr21-46888610-G-A.
Other names: c.1101G>A, p.Pro367= (NM_030582.4); c.1806G>A, p.Pro602= (NM_130444.3); c.1101G>A (NM_030582.3).
Identifiers: ClinVar variation 1598690 (VCV001598690.14), dbSNP rs534851819, ClinGen allele CA10065781.